The following is an entry in ClinVar:

NM_173483.4(CYP4F22):c.728G>A (p.Arg243His)

Gene: CYP4F22 (cytochrome P450 family 4 subfamily F member 22; plus strand). Cytogenetic location: 19p13.12.
Variant type: single nucleotide variant.
Coding change: c.728G>A on transcript NM_173483.4 (MANE Select); coding-DNA position 728, G replaced by A.
Protein change: p.Arg243His; replaces arginine 243 with histidine.
Molecular consequence: missense variant.
Genome position (GRCh38, 1-based): chr19:15,540,506, G>A. VCF-style: chr19-15540506-G-A. GRCh37 (hg19) VCF-style: chr19-15651317-G-A.
Other names: short protein forms R243H.
Identifiers: ClinVar variation 911 (VCV000000911.5), dbSNP rs118203937, ClinGen allele CA114618.

ClinVar aggregate classification (germline): Pathogenic. Review status: criteria provided, multiple submitters, no conflicts (2 of 4 stars). 4 submissions from 4 submitters: Pathogenic (2). 2 of the submissions do not count toward it. Last evaluated 2022-03-23.

Conditions:
Lamellar ichthyosis. Identifiers: Orphanet 313, MedGen C5848247, MONDO:0017778.
Autosomal recessive congenital ichthyosis 5 (ARCI5). Also called: Ichthyosis, nonlamellar and nonerythrodermic, congenital, autosomal recessive; ICHTHYOSIS CONGENITA III. Identifiers: Orphanet 313, MedGen C1858133, MONDO:0011485, OMIM 604777.

Allele frequency attached by ClinVar (database versions not stated): gnomAD 0.00001 and 0.00002; TOPMed 0.00002; ExAC 0.00004; 1000 Genomes Project 30x 0.00016; 1000 Genomes Project 0.00020.
gnomAD v4.1: 36 of 1,614,168 alleles (0.0022%); highest among the groups gnomAD compares: African/African-American, 0.004%; no homozygotes.

Submissions (4):

Fulgent Genetics
Classification: Pathogenic for Autosomal recessive congenital ichthyosis 5. Last evaluated: 2022-03-23. Review status: criteria provided, single submitter. Criteria: ACMG Guidelines, 2015. Collection method: clinical testing. Allele origin: unknown.

Women's Health and Genetics/Laboratory Corporation of America, LabCorp
Classification: Pathogenic for Lamellar ichthyosis. Last evaluated: 2021-09-30. Review status: criteria provided, single submitter. Criteria: LabCorp Variant Classification Summary - May 2015. Collection method: clinical testing. Allele origin: germline.
Comment: Variant summary: CYP4F22 c.728G>A (p.Arg243His) results in a non-conservative amino acid change in the encoded protein sequence. Five of five in-silico tools predict a damaging effect of the variant on protein function. The variant allele was found at a frequency of 3.6e-05 in 251406 control chromosomes. c.728G>A has been reported in the literature as a homozygous or compound heterozygous in multiple well phenotyped and comprehensively genotyped individuals affected with Autosomal Recessive Congenital Ichthyosis/Lamellar Ichthyosis (example, Lefevre_2006, Noguera-Morel_2016, Fakhro_2019, Esperon-Moldes_2020). These data indicate that the variant is very likely to be associated with disease. To our knowledge, no experimental evidence demonstrating an impact on protein function has been reported. One clinical diagnostic laboratory has submitted clinical-significance assessments for this variant to ClinVar after 2014 without evidence for independent evaluation and classified the variant as pathogenic. Based on the evidence outlined above, the variant was classified as pathogenic.

Institute for Human Genetics, University Medical Center Freiburg
Classification: Pathogenic for Autosomal recessive congenital ichthyosis 5. Last evaluated: 2018-04-23. Review status: no assertion criteria provided. Collection method: clinical testing. Allele origin: germline. Affected: yes. Not counted in ClinVar's aggregate classification.

OMIM
Classification: Pathogenic for ICHTHYOSIS, CONGENITAL, AUTOSOMAL RECESSIVE 5. Last evaluated: 2006-03-01. Review status: no assertion criteria provided. Collection method: literature only. Allele origin: germline. Not counted in ClinVar's aggregate classification.

Literature cited by the submitters: PubMed 32069299 (cited by Women's Health and Genetics/Laboratory Corporation of America, LabCorp); PubMed 16436457 (cited by 3 submitters); PubMed 31625567 (cited by Women's Health and Genetics/Laboratory Corporation of America, LabCorp); PubMed 31876103 (cited by Women's Health and Genetics/Laboratory Corporation of America, LabCorp); PubMed 33786896 (cited by Women's Health and Genetics/Laboratory Corporation of America, LabCorp); PubMed 26646773 (cited by Women's Health and Genetics/Laboratory Corporation of America, LabCorp).